The following is an entry in ClinVar:

NM_001128431.4(SLC39A14):c.1333-25G>A

Gene: SLC39A14 (solute carrier family 39 member 14; plus strand). Cytogenetic location: 8p21.3.
Variant type: single nucleotide variant.
Coding change: c.1333-25G>A on transcript NM_001128431.4 (MANE Select); 25 bases into the intron before coding-DNA position 1333, G replaced by A.
Molecular consequence: intron variant.
Genome position (GRCh38, 1-based): chr8:22,419,527, G>A. VCF-style: chr8-22419527-G-A. GRCh37 (hg19) VCF-style: chr8-22277040-G-A.
Other names: c.1332+1692G>A (NM_001135154.3); c.1333-25G>A (NM_001351656.2, NM_001351655.2, NM_015359.6 and 2 more transcripts); c.1363-25G>A (NM_001351657.2, NM_001351658.2, NM_001351659.2).
Identifiers: ClinVar variation 1286943 (VCV001286943.6), dbSNP rs10101909, ClinGen allele CA4667586.
Genomic context (GRCh38, chr8:22,419,527, plus strand): 5'-GATCTATATCTCCATCACTGAATTGCCCTGGACTTACAAGATGAAGAAGGAATTGCAGCT[G>A]TGTTGTTTCTTGCTTCTTTCCCAGTTCCCTGAGATGAATGAGGTCTGTCAAGAGGATGAA-3'

ClinVar aggregate classification (germline): Benign. Review status: criteria provided, multiple submitters, no conflicts (2 of 4 stars). 5 submissions from 4 submitters: Benign (5). Last evaluated 2024-07-31.

Conditions:
Hypermanganesemia with dystonia 2 (HMNDYT2). Also called: SLC39A14 Deficiency. Identifiers: Orphanet 521406, MedGen C4310765, MONDO:0014864, OMIM 617013.
Hyperostosis cranialis interna. Also called: Hyperostosis cranalis interna. Identifiers: Orphanet 443098, MedGen C1840404, MONDO:0007765, OMIM 144755, HP:0005890.

Allele frequency attached by ClinVar (database versions not stated): ESP Exome Variant Server 0.25988; gnomAD 0.26917 and 0.27921; TOPMed 0.27279; gnomAD exomes 0.30269 and 0.32866; ExAC 0.33184; 1000 Genomes Project 30x 0.34775; 1000 Genomes Project 0.35383.
gnomAD v4.1: 480,439 of 1,598,870 alleles (30%); highest among the groups gnomAD compares: East Asian, 60%; 76,272 homozygotes.

Submissions (5):

Unidad de Genómica Garrahan, Hospital de Pediatría Garrahan
Classification: Benign. Last evaluated: 2024-07-31. Review status: criteria provided, single submitter. Criteria: ACMG Guidelines, 2015. Collection method: clinical testing. Allele origin: germline. Affected: no. Observed: 52 variant alleles.
Comment: This variant is classified as Benign based on local population frequency. This variant was detected in 56% of patients studied in a panel designed for Epileptic and Developmental Encephalopathy, Progressive Myoclonus Epilepsy and Abnormal Movements and Neurodegeneration with brain iron accumulation. Number of patients: 52. Only high quality variants are reported.

Genome-Nilou Lab
Classification: Benign for Hyperostosis cranialis interna. Last evaluated: 2021-07-15. Review status: criteria provided, single submitter. Criteria: ACMG Guidelines, 2015. Collection method: clinical testing. Allele origin: germline. Affected: no.

Genome-Nilou Lab
Classification: Benign for Hypermanganesemia with dystonia 2. Last evaluated: 2021-07-15. Review status: criteria provided, single submitter. Criteria: ACMG Guidelines, 2015. Collection method: clinical testing. Allele origin: germline. Affected: no.

GeneDx
Classification: Benign. Last evaluated: 2021-05-15. Review status: criteria provided, single submitter. Criteria: GeneDx Variant Classification Process June 2021. Collection method: clinical testing. Allele origin: germline. Affected: yes.

Breakthrough Genomics
Classification: Benign. Review status: criteria provided, single submitter. Criteria: ACMG Guidelines, 2015. Collection method: not provided. Allele origin: germline. Inheritance: Autosomal recessive inheritance. Affected: yes.